The following is an entry in ClinVar:

ClinVar aggregate classification (germline): Benign. Review status: reviewed by expert panel (3 of 4 stars). 21 submissions from 21 submitters: Benign (1). 20 of the submissions do not count toward it. Last evaluated 2013-09-05.

Conditions:
Mismatch repair cancer syndrome 4. Identifiers: MedGen C5436817, MONDO:0030843, OMIM 619101.
Hereditary nonpolyposis colorectal neoplasms. Identifiers: MedGen C0009405, MeSH D003123.
Hereditary cancer-predisposing syndrome. Also called: Neoplastic Syndromes, Hereditary; Hereditary neoplastic syndrome; Tumor predisposition; Hereditary Cancer Syndrome. Identifiers: Orphanet 140162, MedGen C0027672, MeSH D009386, MONDO:0015356.
Breast and/or ovarian cancer. Identifiers: MedGen CN221562.
Lynch syndrome. Identifiers: Orphanet 144, MedGen C4552100, MONDO:0005835. Disease mechanism: loss of function.
Lynch syndrome 4 (LYNCH4). Also called: Hereditary non-polyposis colorectal cancer, type 4; Colorectal cancer, hereditary nonpolyposis, type 4. Identifiers: Orphanet 144, MedGen C1838333, MONDO:0013699, OMIM 614337. Disease mechanism: loss of function.
Mismatch repair cancer syndrome 1 (MMRCS1). Also called: BRAIN TUMOR-POLYPOSIS SYNDROME 1; BTP1 SYNDROME; CHILDHOOD CANCER SYNDROME; MISMATCH REPAIR DEFICIENCY; MMR DEFICIENCY. Identifiers: Orphanet 252202, MedGen C5399763, MONDO:0010159, OMIM 276300. Disease mechanism: loss of function.

Allele frequency attached by ClinVar (database versions not stated): 1000 Genomes Project 30x 0.31902; 1000 Genomes Project 0.32568; TOPMed 0.33480; gnomAD 0.33782 and 0.34049; ESP Exome Variant Server 0.34392; ExAC 0.36776; gnomAD exomes 0.36821 and 0.39426.
gnomAD v4.1: 626,818 of 1,611,450 alleles (39%); highest among the groups gnomAD compares: Middle Eastern, 44%; 124,796 homozygotes.

Submissions (21):

International Society for Gastrointestinal Hereditary Tumours (InSiGHT)
Classification: Benign for Lynch Syndrome. Last evaluated: 2013-09-05. Review status: reviewed by expert panel. Criteria: Guidelines v1.9. Collection method: research. Allele origin: germline.
Comment: MAF >1%

Classified with v1.9 guidelines
ClinVar note: Converted during submission from no known pathogenicity to Benign.

Labcorp Genetics (formerly Invitae), Labcorp
Classification: Benign for Hereditary nonpolyposis colorectal neoplasms. Last evaluated: 2026-02-04. Review status: criteria provided, single submitter. Criteria: Invitae Variant Classification Sherloc (09022015). Collection method: clinical testing. Allele origin: germline. Not counted in ClinVar's aggregate classification.

ARUP Laboratories, Molecular Genetics and Genomics, ARUP Laboratories
Classification: Benign. Last evaluated: 2025-07-31. Review status: criteria provided, single submitter. Criteria: ARUP Molecular Germline Variant Investigation Process 2024. Collection method: clinical testing. Allele origin: germline. Not counted in ClinVar's aggregate classification.

GeneKor MSA
Classification: Benign for Lynch syndrome. Last evaluated: 2025-07-10. Review status: criteria provided, single submitter. Criteria: ACMG Guidelines, 2015. Collection method: clinical testing. Allele origin: germline. Not counted in ClinVar's aggregate classification.

Blueprint Genetics
Classification: Likely benign. Last evaluated: 2024-11-27. Review status: criteria provided, single submitter. Criteria: ACMG Guidelines, 2015. Collection method: clinical testing. Allele origin: germline. Not counted in ClinVar's aggregate classification.

KCCC/NGS Laboratory, Kuwait Cancer Control Center
Classification: Benign for Lynch syndrome 4. Last evaluated: 2023-07-07. Review status: criteria provided, single submitter. Criteria: ACMG Guidelines, 2015. Collection method: clinical testing. Allele origin: germline. Affected: yes. Not counted in ClinVar's aggregate classification.

Genome-Nilou Lab
Classification: Benign for Mismatch repair cancer syndrome 4. Last evaluated: 2021-10-25. Review status: criteria provided, single submitter. Criteria: ACMG Guidelines, 2015. Collection method: clinical testing. Allele origin: germline. Affected: no. Not counted in ClinVar's aggregate classification.

CHEO Genetics Diagnostic Laboratory, Children's Hospital of Eastern Ontario
Classification: Benign for Breast and/or ovarian cancer. Last evaluated: 2021-04-21. Review status: criteria provided, single submitter. Criteria: ACMG Guidelines, 2015. Collection method: clinical testing. Allele origin: germline. Not counted in ClinVar's aggregate classification.

Clinical Genetics DNA and cytogenetics Diagnostics Lab, Erasmus MC, Erasmus Medical Center
Classification: Benign for Lynch syndrome 4. Last evaluated: 2015-09-21. Review status: criteria provided, single submitter. Criteria: ACGS Guidelines, 2013. Collection method: clinical testing. Allele origin: germline. Affected: yes. Study: VKGL Data-share Consensus. Not counted in ClinVar's aggregate classification.

Color Diagnostics, LLC DBA Color Health
Classification: Benign for Hereditary cancer-predisposing syndrome. Last evaluated: 2015-03-31. Review status: criteria provided, single submitter. Criteria: ACMG Guidelines, 2015. Collection method: clinical testing. Allele origin: germline. Not counted in ClinVar's aggregate classification.

GeneDx
Classification: Benign. Last evaluated: 2015-03-03. Review status: criteria provided, single submitter. Criteria: GeneDx Variant Classification Process June 2021. Collection method: clinical testing. Allele origin: germline. Affected: yes. Not counted in ClinVar's aggregate classification.

Department of Pathology and Laboratory Medicine, Sinai Health System
Classification: Benign for mismatch repair cancer syndrome 1. Last evaluated: 2015-01-28. Review status: criteria provided, single submitter. Criteria: ACMG Guidelines, 2015. Collection method: clinical testing. Allele origin: germline. Not counted in ClinVar's aggregate classification.

Ambry Genetics
Classification: Benign for Hereditary cancer-predisposing syndrome. Last evaluated: 2014-09-30. Review status: criteria provided, single submitter. Criteria: Ambry Variant Classification Scheme 2023. Collection method: clinical testing. Allele origin: germline. Not counted in ClinVar's aggregate classification.

Eurofins Ntd Llc (ga)
Classification: Benign. Last evaluated: 2013-08-22. Review status: criteria provided, single submitter. Criteria: EGL Classification Definitions 2015. Collection method: clinical testing. Allele origin: germline. Observed: 28 variant alleles, 22 heterozygotes, 6 homozygotes. Not counted in ClinVar's aggregate classification.

Women's Health and Genetics/Laboratory Corporation of America, LabCorp
Classification: Benign for Hereditary non-polyposis colon cancer. Last evaluated: 2011-08-18. Review status: criteria provided, single submitter. Criteria: LabCorp Variant Classification Summary - May 2015. Collection method: clinical testing. Allele origin: not applicable. Inheritance: autosomal unknown. Not counted in ClinVar's aggregate classification.
ClinVar note: Converted during submission from benign to Benign.

PreventionGenetics, part of Exact Sciences
Classification: Benign. Review status: criteria provided, single submitter. Criteria: ACMG Guidelines, 2015. Collection method: clinical testing. Allele origin: germline. Not counted in ClinVar's aggregate classification.

Clinical Genetics Laboratory, Department of Pathology, Netherlands Cancer Institute
Classification: Benign. Review status: no assertion criteria provided. Collection method: clinical testing. Allele origin: germline. Affected: yes. Study: VKGL Data-share Consensus. Not counted in ClinVar's aggregate classification.

Clinical Genetics, Academic Medical Center
Classification: Benign. Review status: no assertion criteria provided. Collection method: clinical testing. Allele origin: germline. Affected: yes. Study: VKGL Data-share Consensus. Not counted in ClinVar's aggregate classification.

Diagnostic Laboratory, Department of Genetics, University Medical Center Groningen
Classification: Benign for Lynch syndrome 4. Review status: no assertion criteria provided. Collection method: clinical testing. Allele origin: germline. Affected: yes. Study: VKGL Data-share Consensus. Not counted in ClinVar's aggregate classification.

Joint Genome Diagnostic Labs from Nijmegen and Maastricht, Radboudumc and MUMC+
Classification: Benign. Review status: no assertion criteria provided. Collection method: clinical testing. Allele origin: germline. Affected: yes. Study: VKGL Data-share Consensus. Not counted in ClinVar's aggregate classification.

Mayo Clinic Laboratories, Mayo Clinic
Classification: Benign. Review status: no assertion criteria provided. Collection method: clinical testing. Allele origin: unknown. Not counted in ClinVar's aggregate classification.

Literature cited by the submitters: PubMed 14756672 (cited by Department of Pathology and Laboratory Medicine, Sinai Health System and Women's Health and Genetics/Laboratory Corporation of America, LabCorp); PubMed 16472587 (cited by Department of Pathology and Laboratory Medicine, Sinai Health System and Women's Health and Genetics/Laboratory Corporation of America, LabCorp); PubMed 20205264 (cited by Women's Health and Genetics/Laboratory Corporation of America, LabCorp).

NM_000535.7(PMS2):c.705+17A>G

Gene: PMS2 (PMS1 homolog 2, mismatch repair system component; minus strand). Cytogenetic location: 7p22.1.
Variant type: single nucleotide variant.
Coding change: c.705+17A>G on transcript NM_000535.7 (MANE Select); 17 bases into the intron after coding-DNA position 705, A replaced by G.
Molecular consequence: intron variant.
Genome position (GRCh38, 1-based): chr7:5,999,091, T>C on the plus strand (A>G on the coding strand, the complement: PMS2 is on the minus strand). VCF-style: chr7-5999091-T-C. GRCh37 (hg19) VCF-style: chr7-6038722-T-C.
Other names: c.387+17A>G (NM_001322008.2, NM_001322007.2); c.300+17A>G (NM_001322010.2, NM_001322004.2, NM_001322003.2 and 2 more transcripts); c.133-1668A>G (NM_001322013.2); c.-229+17A>G (NM_001322012.2, NM_001322011.2); c.396+17A>G (NM_001322015.2); c.705+17A>G (NM_001322006.2, NM_001322014.2).
Identifiers: ClinVar variation 36692 (VCV000036692.49), dbSNP rs62456182, ClinGen allele CA012587.
Genomic context (GRCh38, chr7:5,999,091, plus strand): 5'-TCTACTGGAAGGGACAATGGAAACCCGCTATAATCACTAGAGCAATAAGAGGCGTTGAAG[T>C]AACCGGCCATCACTACCTGCTTCTGCCCAAACACAGAGCCGATATTTTCCTTTATGCTGG-3'